The following is an entry in ClinVar:

ClinVar aggregate classification (germline): Uncertain significance. Review status: criteria provided, multiple submitters, no conflicts (2 of 4 stars). 2 submissions from 2 submitters: Uncertain significance (2). Last evaluated 2024-08-11.

Conditions:
Cardiovascular phenotype. Identifiers: MedGen CN230736.
Dilated cardiomyopathy 1M (CMD1M). Identifiers: Orphanet 154, MedGen C1843808, MONDO:0011840, OMIM 607482.
Hypertrophic cardiomyopathy 12. Identifiers: MedGen C2677491, MONDO:0012804, OMIM 612124.

Allele frequency attached by ClinVar (database versions not stated): TOPMed below 0.00001.

Submissions (2):

Ambry Genetics
Classification: Uncertain significance for Cardiovascular phenotype. Last evaluated: 2024-08-11. Review status: criteria provided, single submitter. Criteria: Ambry Variant Classification Scheme 2023. Collection method: clinical testing. Allele origin: germline.
Comment: The p.D45N variant (also known as c.133G>A), located in coding exon 2 of the CSRP3 gene, results from a G to A substitution at nucleotide position 133. The aspartic acid at codon 45 is replaced by asparagine, an amino acid with highly similar properties. This amino acid position is conserved. In addition, this alteration is predicted to be tolerated by in silico analysis. Based on the available evidence, the clinical significance of this variant remains unclear.

Labcorp Genetics (formerly Invitae), Labcorp
Classification: Uncertain significance for Hypertrophic cardiomyopathy 12; Dilated cardiomyopathy 1M. Last evaluated: 2022-04-16. Review status: criteria provided, single submitter. Criteria: Invitae Variant Classification Sherloc (09022015). Collection method: clinical testing. Allele origin: germline.
Comment: This sequence change replaces aspartic acid, which is acidic and polar, with asparagine, which is neutral and polar, at codon 45 of the CSRP3 protein (p.Asp45Asn). This variant is not present in population databases (gnomAD no frequency). This variant has not been reported in the literature in individuals affected with CSRP3-related conditions. Algorithms developed to predict the effect of missense changes on protein structure and function are either unavailable or do not agree on the potential impact of this missense change (SIFT: "Deleterious"; PolyPhen-2: "Probably Damaging"; Align-GVGD: "Class C15"). In summary, the available evidence is currently insufficient to determine the role of this variant in disease. Therefore, it has been classified as a Variant of Uncertain Significance.

NM_003476.5(CSRP3):c.133G>A (p.Asp45Asn)

Gene: CSRP3 (cysteine and glycine rich protein 3; minus strand). Cytogenetic location: 11p15.1.
Variant type: single nucleotide variant.
Coding change: c.133G>A on transcript NM_003476.5 (MANE Select); coding-DNA position 133, G replaced by A.
Protein change: p.Asp45Asn; replaces aspartic acid 45 with asparagine.
Molecular consequence: missense variant. On other transcripts: intron variant (1).
Genome position (GRCh38, 1-based): chr11:19,188,284, C>T on the plus strand (G>A on the coding strand, the complement: CSRP3 is on the minus strand). VCF-style: chr11-19188284-C-T. GRCh37 (hg19) VCF-style: chr11-19209831-C-T.
Other names: c.133G>A, p.Asp45Asn (NM_001127656.1); c.113-1936G>A (NM_001369404.1); short protein forms D45N.
Identifiers: ClinVar variation 2119396 (VCV002119396.2), dbSNP rs894467251, ClinGen allele CA218633669.
Genomic context (GRCh38, chr11:19,188,284, plus strand): 5'-TGCGCCCATAGCACACCTTGCAGTAGATCTCCGACTCATGAGCCGCGACTGTCGTGCTGT[C>T]AAGAGCCTTCCTGCAGGCCACTGCCAGGAAAAGGAAGGGTCATGGGATTGGAATTGAAAT-3'
Protein context (NP_003467.1, residues 35-55): FHCMACRKAL[Asp45Asn]STTVAAHESE